The following is an entry in ClinVar:

ClinVar aggregate classification (germline): Uncertain significance. Review status: criteria provided, multiple submitters, no conflicts (2 of 4 stars). 3 submissions from 3 submitters: Uncertain significance (2). 1 of the submissions does not count toward it. Last evaluated 2025-11-26.

Conditions:
Inborn genetic diseases. Identifiers: MedGen C0950123, MeSH D030342.
PCNT-related disorder. Also called: PCNT-related condition.

Allele frequency attached by ClinVar (database versions not stated): TOPMed 0.00002; gnomAD exomes 0.00003; gnomAD 0.00001.
gnomAD v4.1: 39 of 1,614,058 alleles (0.0024%); highest among the groups gnomAD compares: Non-Finnish European, 0.0032%; no homozygotes.

Submissions (3):

Ambry Genetics
Classification: Uncertain significance for Inborn genetic diseases. Last evaluated: 2025-11-26. Review status: criteria provided, single submitter. Criteria: Ambry Variant Classification Scheme 2023. Collection method: clinical testing. Allele origin: germline.
Comment: The c.1727A>T (p.D576V) alteration is located in exon 11 (coding exon 11) of the PCNT gene. This alteration results from a A to T substitution at nucleotide position 1727, causing the aspartic acid (D) at amino acid position 576 to be replaced by a valine (V). Based on data from gnomAD, the T allele has an overall frequency of 0.001% (3/282816) total alleles studied. The highest observed frequency was 0.014% (1/7224) of Other alleles. Based on insufficient or conflicting evidence, the clinical significance of this alteration remains unclear.

Labcorp Genetics (formerly Invitae), Labcorp
Classification: Uncertain significance. Last evaluated: 2022-05-10. Review status: criteria provided, single submitter. Criteria: Invitae Variant Classification Sherloc (09022015). Collection method: clinical testing. Allele origin: germline.
Comment: This sequence change replaces aspartic acid, which is acidic and polar, with valine, which is neutral and non-polar, at codon 576 of the PCNT protein (p.Asp576Val). This variant is present in population databases (no rsID available, gnomAD 0.002%). This variant has not been reported in the literature in individuals affected with PCNT-related conditions. Algorithms developed to predict the effect of missense changes on protein structure and function are either unavailable or do not agree on the potential impact of this missense change (SIFT: "Deleterious"; PolyPhen-2: "Benign"; Align-GVGD: "Class C0"). In summary, the available evidence is currently insufficient to determine the role of this variant in disease. Therefore, it has been classified as a Variant of Uncertain Significance.

PreventionGenetics, part of Exact Sciences
Classification: Uncertain significance for PCNT-related condition. Last evaluated: 2024-08-20. Review status: no assertion criteria provided. Collection method: clinical testing. Allele origin: germline. Not counted in ClinVar's aggregate classification.
Comment: The PCNT c.1727A>T variant is predicted to result in the amino acid substitution p.Asp576Val. To our knowledge, this variant has not been reported in the literature. This variant is reported in 0.0015% of alleles in individuals of European (Non-Finnish) descent in gnomAD. At this time, the clinical significance of this variant is uncertain due to the absence of conclusive functional and genetic evidence.

NM_006031.6(PCNT):c.1727A>T (p.Asp576Val)

Gene: PCNT (pericentrin; plus strand). Cytogenetic location: 21q22.3.
Variant type: single nucleotide variant.
Coding change: c.1727A>T on transcript NM_006031.6 (MANE Select); coding-DNA position 1727, A replaced by T.
Protein change: p.Asp576Val; replaces aspartic acid 576 with valine.
Molecular consequence: missense variant.
Genome position (GRCh38, 1-based): chr21:46,354,034, A>T. VCF-style: chr21-46354034-A-T. GRCh37 (hg19) VCF-style: chr21-47773948-A-T.
Other names: c.1727A>T (NM_006031.5); c.1373A>T, p.Asp458Val (NM_001315529.2); short protein forms D576V, D458V.
Identifiers: ClinVar variation 2177589 (VCV002177589.4), dbSNP rs998090068, ClinGen allele CA321996528.
Genomic context (GRCh38, chr21:46,354,034, plus strand): 5'-GTTTTCCCTTCAGGTTGTCCTGTGTGGGTTTAGAAGAGAAACCTGAGAAAGGAAGAAAAG[A>T]TCACGTTGATGAACTCGAGCCTGAGCGACATAAGGTAATTGGCCGCGCGCTGAGAAGTGG-3'
Protein context (NP_006022.3, residues 566-586): LEEKPEKGRK[Asp576Val]HVDELEPERH